The following is an entry in ClinVar:

ClinVar aggregate classification (germline): Uncertain significance (1 of 4 stars; one submission).

gnomAD v4.1: 2 of 1,614,218 alleles (0.00012%); highest among the groups gnomAD compares: African/African-American, 0.0013%; no homozygotes.

Submission:

Labcorp Genetics (formerly Invitae), Labcorp
Classification: Uncertain significance. Last evaluated: 2024-09-05. Review status: criteria provided, single submitter. Criteria: Invitae Variant Classification Sherloc (09022015). Collection method: clinical testing. Allele origin: germline.
Comment: This sequence change replaces isoleucine, which is neutral and non-polar, with valine, which is neutral and non-polar, at codon 2566 of the TRRAP protein (p.Ile2566Val). This variant is present in population databases (rs760750886, gnomAD 0.002%). This variant has not been reported in the literature in individuals affected with TRRAP-related conditions. Invitae Evidence Modeling of protein sequence and biophysical properties (such as structural, functional, and spatial information, amino acid conservation, physicochemical variation, residue mobility, and thermodynamic stability) indicates that this missense variant is not expected to disrupt TRRAP protein function with a negative predictive value of 80%. In summary, the available evidence is currently insufficient to determine the role of this variant in disease. Therefore, it has been classified as a Variant of Uncertain Significance.

NM_001375524.1(TRRAP):c.7771A>G (p.Ile2591Val)

Gene: TRRAP (transformation/transcription domain associated protein; plus strand). Cytogenetic location: 7q22.1.
Variant type: single nucleotide variant.
Coding change: c.7771A>G on transcript NM_001375524.1 (MANE Select); coding-DNA position 7771, A replaced by G.
Protein change: p.Ile2591Val; replaces isoleucine 2591 with valine.
Molecular consequence: missense variant.
Genome position (GRCh38, 1-based): chr7:98,971,877, A>G. VCF-style: chr7-98971877-A-G. GRCh37 (hg19) VCF-style: chr7-98569500-A-G.
Other names: c.7750A>G, p.Ile2584Val (NM_001244580.2); c.7696A>G, p.Ile2566Val (NM_003496.4); short protein forms I2566V, I2591V, I2584V.
Identifiers: ClinVar variation 3653340 (VCV003653340.2).